The following is an entry in ClinVar:

NM_080680.3(COL11A2):c.4864-88C>T

Gene: COL11A2 (collagen type XI alpha 2 chain; minus strand). Cytogenetic location: 6p21.32.
Variant type: single nucleotide variant.
Coding change: c.4864-88C>T on transcript NM_080680.3 (MANE Select); 88 bases into the intron before coding-DNA position 4864, C replaced by T.
Molecular consequence: intron variant.
Genome position (GRCh38, 1-based): chr6:33,164,561, G>A on the plus strand (C>T on the coding strand, the complement: COL11A2 is on the minus strand). VCF-style: chr6-33164561-G-A. GRCh37 (hg19) VCF-style: chr6-33132338-G-A.
Other names: c.4543-88C>T (NM_080679.3); c.4606-88C>T (NM_080681.3).
Identifiers: ClinVar variation 674800 (VCV000674800.1), dbSNP rs2744514, ClinGen allele CA12189101.

ClinVar aggregate classification (germline): Benign (1 of 4 stars; one submission).

Allele frequency attached by ClinVar (database versions not stated): gnomAD 0.67153 and 0.68464; TOPMed 0.68900; gnomAD exomes 0.69294; 1000 Genomes Project 30x 0.76936; 1000 Genomes Project 0.77656.
gnomAD v4.1: 778,480 of 1,123,576 alleles (69%); highest among the groups gnomAD compares: East Asian, 98%; 274,665 homozygotes.

Submission:

GeneDx
Classification: Benign. Last evaluated: 2018-06-13. Review status: criteria provided, single submitter. Criteria: GeneDx Variant Classification (06012015). Collection method: clinical testing. Allele origin: germline. Affected: yes.
Comment: This variant is considered likely benign or benign based on one or more of the following criteria: it is a conservative change, it occurs at a poorly conserved position in the protein, it is predicted to be benign by multiple in silico algorithms, and/or has population frequency not consistent with disease.